The following is an entry in ClinVar:

ClinVar aggregate classification (germline): Pathogenic, low penetrance (1 of 4 stars; one submission).

Conditions:
CFI-related disorder. Also called: CFI-related condition; CFI-related disorders. Identifiers: MedGen CN239325.

gnomAD v4.1: 1 of 1,614,174 alleles (0.000062%); highest among the groups gnomAD compares: Non-Finnish European, 0.000085%; no homozygotes.

Submission:

Genomenon, Inc
Classification: Pathogenic, low penetrance for CFI-related disorder. Last evaluated: 2025-09-26. Review status: criteria provided, single submitter. Criteria: Genomenon Sequence Variant Interpretation Standards - Updated. Collection method: curation. Allele origin: germline. Affected: no.
Comment: CFI p.Cys54Ter (c.162C>A) is a nonsense variant that introduces a premature stop codon at amino acid position 54, creating a truncated protein that is predicted to undergo nonsense-mediated mRNA decay. To our knowledge, this variant has not been reported in patients affected with CFI-related disorders in the published literature. At least one functional study has demonstrated a substantial alteration in protein function relative to the wild-type (PMID:32510551). It is absent or not present at a significant frequency in gnomAD. In conclusion, we classify CFI p.Cys54Ter (c.162C>A) as a pathogenic, low penetrance variant.

Literature cited by the submitters: PubMed 32510551.

NM_000204.5(CFI):c.162C>A (p.Cys54Ter)

Gene: CFI (complement factor I; minus strand). Cytogenetic location: 4q25.
Variant type: single nucleotide variant.
Coding change: c.162C>A on transcript NM_000204.5 (MANE Select); coding-DNA position 162, C replaced by A.
Protein change: p.Cys54Ter; replaces cysteine 54 with a stop codon.
Molecular consequence: nonsense. On other transcripts: non-coding transcript variant (3), intron variant (1).
Genome position (GRCh38, 1-based): chr4:109,766,720, G>T on the plus strand (C>A on the coding strand, the complement: CFI is on the minus strand). VCF-style: chr4-109766720-G-T. GRCh37 (hg19) VCF-style: chr4-110687876-G-T.
Other names: c.162C>A, p.Cys54Ter (NM_001318057.2, NM_001331035.2, NM_001375278.1 and 10 more transcripts); c.-127-5028C>A (NM_001375284.1); short protein forms C54*.
Identifiers: ClinVar variation 4280531 (VCV004280531.1).